The following is an entry in ClinVar:

NM_000095.3(COMP):c.2264G>A (p.Arg755Gln)

Gene: COMP (cartilage oligomeric matrix protein; minus strand). Cytogenetic location: 19p13.11.
Variant type: single nucleotide variant.
Coding change: c.2264G>A on transcript NM_000095.3 (MANE Select); coding-DNA position 2264, G replaced by A.
Protein change: p.Arg755Gln; replaces arginine 755 with glutamine.
Molecular consequence: missense variant.
Genome position (GRCh38, 1-based): chr19:18,782,925, C>T on the plus strand (G>A on the coding strand, the complement: COMP is on the minus strand). VCF-style: chr19-18782925-C-T. GRCh37 (hg19) VCF-style: chr19-18893735-C-T.
Other names: short protein forms R755Q.
Identifiers: ClinVar variation 2998102 (VCV002998102.3), dbSNP rs756579573, ClinGen allele CA9316115.

ClinVar aggregate classification (germline): Uncertain significance (1 of 4 stars; one submission).

Allele frequency attached by ClinVar (database versions not stated): TOPMed below 0.00001.
gnomAD v4.1: 9 of 1,611,926 alleles (0.00056%); highest among the groups gnomAD compares: South Asian, 0.0033%; no homozygotes.

Submission:

Labcorp Genetics (formerly Invitae), Labcorp
Classification: Uncertain significance. Last evaluated: 2023-07-28. Review status: criteria provided, single submitter. Criteria: Invitae Variant Classification Sherloc (09022015). Collection method: clinical testing. Allele origin: germline.
Comment: This sequence change replaces arginine, which is basic and polar, with glutamine, which is neutral and polar, at codon 755 of the COMP protein (p.Arg755Gln). This variant is present in population databases (rs756579573, gnomAD 0.006%). This variant has not been reported in the literature in individuals affected with COMP-related conditions. Advanced modeling of protein sequence and biophysical properties (such as structural, functional, and spatial information, amino acid conservation, physicochemical variation, residue mobility, and thermodynamic stability) performed at Invitae indicates that this missense variant is not expected to disrupt COMP protein function. In summary, the available evidence is currently insufficient to determine the role of this variant in disease. Therefore, it has been classified as a Variant of Uncertain Significance.